The following is an entry in ClinVar:

ClinVar aggregate classification (germline): Uncertain significance. Review status: criteria provided, multiple submitters, no conflicts (2 of 4 stars). 2 submissions from 2 submitters: Uncertain significance (2). Last evaluated 2025-01-21.

Conditions:
Cardiovascular phenotype. Identifiers: MedGen CN230736.

Allele frequency attached by ClinVar (database versions not stated): gnomAD exomes 0.00001.
gnomAD v4.1: 17 of 1,503,840 alleles (0.0011%); highest among the groups gnomAD compares: Admixed American, 0.0022%; no homozygotes.

Submissions (2):

Ambry Genetics
Classification: Uncertain significance for Cardiovascular phenotype. Last evaluated: 2025-01-21. Review status: criteria provided, single submitter. Criteria: Ambry Variant Classification Scheme 2023. Collection method: clinical testing. Allele origin: germline.
Comment: The p.D1065N variant (also known as c.3193G>A), located in coding exon 2 of the ZNF469 gene, results from a G to A substitution at nucleotide position 3193. The aspartic acid at codon 1065 is replaced by asparagine, an amino acid with highly similar properties. This amino acid position is conserved. In addition, this alteration is predicted to be tolerated by in silico analysis. Since supporting evidence is limited at this time, the clinical significance of this alteration remains unclear.

Labcorp Genetics (formerly Invitae), Labcorp
Classification: Uncertain significance. Last evaluated: 2021-09-24. Review status: criteria provided, single submitter. Criteria: Invitae Variant Classification Sherloc (09022015). Collection method: clinical testing. Allele origin: germline.
Comment: This sequence change replaces aspartic acid with asparagine at codon 1065 of the ZNF469 protein (p.Asp1065Asn). The aspartic acid residue is weakly conserved and there is a small physicochemical difference between aspartic acid and asparagine. The frequency data for this variant in the population databases is considered unreliable, as metrics indicate insufficient coverage at this position in the ExAC database. This variant has not been reported in the literature in individuals with ZNF469-related conditions. Algorithms developed to predict the effect of missense changes on protein structure and function output the following: SIFT: "Tolerated"; PolyPhen-2: "Benign"; Align-GVGD: "Class C0". The asparagine amino acid residue is found in multiple mammalian species, suggesting that this missense change does not adversely affect protein function. These predictions have not been confirmed by published functional studies and their clinical significance is uncertain. In summary, the available evidence is currently insufficient to determine the role of this variant in disease. Therefore, it has been classified as a Variant of Uncertain Significance.

NM_001367624.2(ZNF469):c.3277G>A (p.Asp1093Asn)

Genes: ZNF469 (zinc finger protein 469; plus strand), LOC130059718 (ATAC-STARR-seq lymphoblastoid silent region 7847; plus strand). Cytogenetic location: 16q24.2.
Variant type: single nucleotide variant.
Coding change: c.3277G>A on transcript NM_001367624.2 (MANE Select); coding-DNA position 3277, G replaced by A.
Protein change: p.Asp1093Asn; replaces aspartic acid 1093 with asparagine.
Molecular consequence: missense variant.
Genome position (GRCh38, 1-based): chr16:88,430,747, G>A. VCF-style: chr16-88430747-G-A. GRCh37 (hg19) VCF-style: chr16-88497155-G-A.
Other names: NM_001127464.1:c.3193G>A; short protein forms D1093N.
Identifiers: ClinVar variation 1405600 (VCV001405600.8), dbSNP rs973227993, ClinGen allele CA286374692.